The following is an entry in ClinVar:

NM_017644.3(KLHL24):c.383A>G (p.Lys128Arg)

Gene: KLHL24 (kelch like family member 24; plus strand). Cytogenetic location: 3q27.1.
Variant type: single nucleotide variant.
Coding change: c.383A>G on transcript NM_017644.3 (MANE Select); coding-DNA position 383, A replaced by G.
Protein change: p.Lys128Arg; replaces lysine 128 with arginine.
Molecular consequence: missense variant. On other transcripts: 5 prime UTR variant (2), non-coding transcript variant (2).
Genome position (GRCh38, 1-based): chr3:183,650,739, A>G. VCF-style: chr3-183650739-A-G. GRCh37 (hg19) VCF-style: chr3-183368527-A-G.
Other names: c.383A>G, p.Lys128Arg (NM_001349413.1, NM_001349414.1, NM_001349415.1 and 12 more transcripts); c.-584A>G (NM_001349428.1, NM_001349429.1); short protein forms K128R.
Identifiers: ClinVar variation 3115567 (VCV003115567.3), dbSNP rs751186011, ClinGen allele CA2721561.

ClinVar aggregate classification (germline): Uncertain significance. Review status: criteria provided, multiple submitters, no conflicts (2 of 4 stars). 3 submissions from 3 submitters: Uncertain significance (3). Last evaluated 2026-09-22.

Conditions:
KLHL24-related disorder. Also called: KLHL24-related condition.
Cardiomyopathy, familial hypertrophic, 29, with polyglucosan bodies (CMH29). Identifiers: MedGen C5774308, MONDO:0859372, OMIM 620236.
Inborn genetic diseases. Identifiers: MedGen C0950123, MeSH D030342.

Allele frequency attached by ClinVar (database versions not stated): TOPMed below 0.00001; ExAC 0.00001.
gnomAD v4.1: 7 of 1,614,078 alleles (0.00043%); no homozygotes.

Submissions (3):

PreventionGenetics, part of Exact Sciences
Classification: Uncertain significance for KLHL24-related condition. Last evaluated: 2026-09-22. Review status: criteria provided, single submitter. Criteria: ACMG Guidelines, 2015. Collection method: clinical testing. Allele origin: germline.
Comment: The KLHL24 c.383A>G variant is predicted to result in the amino acid substitution p.Lys128Arg. To our knowledge, this variant has not been reported in the literature. This variant is reported in 0.0033% of alleles in individuals of South Asian descent in gnomAD. At this time, the clinical significance of this variant is uncertain due to the absence of conclusive functional and genetic evidence.

Victorian Clinical Genetics Services, Murdoch Childrens Research Institute
Classification: Uncertain significance for Cardiomyopathy, familial hypertrophic, 29, with polyglucosan bodies. Last evaluated: 2024-10-08. Review status: criteria provided, single submitter. Criteria: ACMG Guidelines, 2015. Collection method: clinical testing. Allele origin: germline. Inheritance: Autosomal recessive inheritance. Affected: yes.
Comment: Based on the classification scheme VCGS_Germline_v1.3.4, this variant is classified as VUS-3B. Following criteria are met: 0103 - Loss of function and gain of function are known mechanisms of disease in this gene and are associated with cardiomyopathy with lethal arrhythmias (PMID: 30715372) and epidermolysis bullosa simplex, generalized, with scarring and hair loss (MIM#617294), respectively. Heterozygous start-loss variants resulting in reduced protein degradation have been reported in individuals with the epidermolysis bullosa phenotype, while biallelic loss of function variants are suggested to result in a cardiac condition (PMID: 30715372, PMID: 27889062). (I) 0108 - This gene is associated with both recessive and dominant disease. Start-loss variants with a gain of function affect are associated with epidermolysis bullosa simplex 6, and loss of function variants are associated with cardiomyopathy (PMID: 27889062; PMID: 30715372). (I) 0200 - Variant is predicted to result in a missense amino acid change from lysine to arginine. (I) 0252 - This variant is homozygous. (I) 0304 - Variant is present in gnomAD <0.01 for a recessive condition (v2 + v3: 2 heterozygotes, 0 homozygotes). (SP) 0309 - An alternative amino acid change at the same position has been observed in gnomAD (v3) (1 heterozygote, 0 homozygotes). (I) 0503 - Missense variant consistently predicted to be tolerated by multiple in silico tools or not conserved in placental mammals with a minor amino acid change. (SB) 0600 - Variant is located in the annotated BTB/POZ domain (DECIPHER). (I) 0705 - No comparable missense variants have previous evidence for pathogenicity. (I) 0807 - This variant has no previous evidence of pathogenicity. (I) 0905 - No published segregation evidence has been identified for this variant. (I) 1007 - No published functional evidence has been identified for this variant. (I) 1208 - Inheritance information for this variant is not currently available in this individual. (I) Legend: (SP) - Supporting pathogenic, (I) - Information, (SB) - Supporting benign

Ambry Genetics
Classification: Uncertain significance for Inborn genetic diseases. Last evaluated: 2023-10-10. Review status: criteria provided, single submitter. Criteria: Ambry Variant Classification Scheme 2023. Collection method: clinical testing. Allele origin: germline.

Literature cited by the submitters: PubMed 27889062 (cited by Victorian Clinical Genetics Services, Murdoch Childrens Research Institute); PubMed 30715372 (cited by Victorian Clinical Genetics Services, Murdoch Childrens Research Institute).